The following is an entry in ClinVar:

NM_170682.4(P2RX2):c.673C>G (p.Arg225Gly)

Gene: P2RX2 (purinergic receptor P2X 2; plus strand). Cytogenetic location: 12q24.33.
Variant type: single nucleotide variant.
Coding change: c.673C>G on transcript NM_170682.4 (MANE Select); coding-DNA position 673, C replaced by G.
Protein change: p.Arg225Gly; replaces arginine 225 with glycine.
Molecular consequence: missense variant.
Genome position (GRCh38, 1-based): chr12:132,620,482, C>G. VCF-style: chr12-132620482-C-G. GRCh37 (hg19) VCF-style: chr12-133197068-C-G.
Other names: c.566C>G, p.Ala189Gly (NM_001282164.2); c.673C>G, p.Arg225Gly (NM_001282165.2, NM_170683.4, NM_174873.3); c.457C>G, p.Arg153Gly (NM_012226.5); c.601C>G, p.Arg201Gly (NM_016318.4); c.397C>G, p.Arg133Gly (NM_174872.3); c.673C>G (NM_170683.2); short protein forms A189G, R133G, R153G, R201G, R225G.
Identifiers: ClinVar variation 1207937 (VCV001207937.13), dbSNP rs202099523, ClinGen allele CA6891610.
Genomic context (GRCh38, chr12:132,620,482, plus strand): 5'-CTCGCCTCCTGCCGCCTCCTCAGGGGCAACATCGCCGACCGCACAGACGGGTACCTGAAG[C>G]GCTGCACGTTCCACGAGGCCTCCGACCTCTACTGCCCCATCTTCAAGCTGGGCTTTATCG-3'
Protein context (NP_733782.1, residues 215-235): IADRTDGYLK[Arg225Gly]CTFHEASDLY

ClinVar aggregate classification (germline): Conflicting classifications of pathogenicity. Review status: criteria provided, conflicting classifications (1 of 4 stars). 5 submissions from 5 submitters: Uncertain significance (2); Likely benign (2). 1 of the submissions does not count toward it. Last evaluated 2025-10-23.

Conditions:
P2RX2-related disorder. Also called: P2RX2-related condition.

Allele frequency attached by ClinVar (database versions not stated): gnomAD 0.00007 and 0.00009; ExAC 0.00009; TOPMed 0.00009.
gnomAD v4.1: 92 of 1,613,924 alleles (0.0057%); highest among the groups gnomAD compares: Middle Eastern, 0.033%; no homozygotes.

Submissions (5):

Labcorp Genetics (formerly Invitae), Labcorp
Classification: Uncertain significance. Last evaluated: 2025-10-23. Review status: criteria provided, single submitter. Criteria: Invitae Variant Classification Sherloc (09022015). Collection method: clinical testing. Allele origin: germline.
Comment: This sequence change replaces arginine, which is basic and polar, with glycine, which is neutral and non-polar, at codon 225 of the P2RX2 protein (p.Arg225Gly). This variant is present in population databases (rs202099523, gnomAD 0.05%), and has an allele count higher than expected for a pathogenic variant. This variant has not been reported in the literature in individuals affected with P2RX2-related conditions. ClinVar contains an entry for this variant (Variation ID: 1207937). Invitae Evidence Modeling of protein sequence and biophysical properties (such as structural, functional, and spatial information, amino acid conservation, physicochemical variation, residue mobility, and thermodynamic stability) indicates that this missense variant is not expected to disrupt P2RX2 protein function with a negative predictive value of 80%. In summary, the available evidence is currently insufficient to determine the role of this variant in disease. Therefore, it has been classified as a Variant of Uncertain Significance.

Ambry Genetics
Classification: Uncertain significance. Last evaluated: 2025-03-04. Review status: criteria provided, single submitter. Criteria: Ambry Variant Classification Scheme 2023. Collection method: clinical testing. Allele origin: germline.

Blueprint Genetics
Classification: Likely benign. Last evaluated: 2024-09-16. Review status: criteria provided, single submitter. Criteria: ACMG Guidelines, 2015. Collection method: clinical testing. Allele origin: germline.

GeneDx
Classification: Likely benign. Last evaluated: 2020-09-02. Review status: criteria provided, single submitter. Criteria: GeneDx Variant Classification Process June 2021. Collection method: clinical testing. Allele origin: germline. Affected: yes.
Comment: In silico analysis, which includes protein predictors and evolutionary conservation, supports that this variant does not alter protein structure/function; Has not been previously published as pathogenic or benign to our knowledge

PreventionGenetics, part of Exact Sciences
Classification: Likely benign for P2RX2-related condition. Last evaluated: 2022-11-09. Review status: no assertion criteria provided. Collection method: clinical testing. Allele origin: germline. Not counted in ClinVar's aggregate classification.
Comment: This variant is classified as likely benign based on ACMG/AMP sequence variant interpretation guidelines (Richards et al. 2015 PMID: 25741868, with internal and published modifications).